The following is an entry in ClinVar:

NM_001267550.2(TTN):c.104574C>G (p.Ile34858Met)

Genes: TTN-AS1 (TTN antisense RNA 1; plus strand), TTN (titin; minus strand). Cytogenetic location: 2q31.2.
Variant type: single nucleotide variant.
Coding change: c.104574C>G on transcript NM_001267550.2 (MANE Select); coding-DNA position 104574, C replaced by G.
Protein change: p.Ile34858Met; replaces isoleucine 34858 with methionine.
Molecular consequence: missense variant.
Genome position (GRCh38, 1-based): chr2:178,532,041, G>C on the plus strand (C>G on the coding strand, the complement: TTN is on the minus strand). VCF-style: chr2-178532041-G-C. GRCh37 (hg19) VCF-style: chr2-179396768-G-C.
Other names: c.99651C>G, p.Ile33217Met (NM_001256850.1); c.77379C>G, p.Ile25793Met (NM_003319.4); c.96870C>G, p.Ile32290Met (NM_133378.4); c.77754C>G, p.Ile25918Met (NM_133432.3); c.77955C>G, p.Ile25985Met (NM_133437.4); short protein forms I25918M, I25793M, I32290M, I25985M, I33217M, I34858M.
Identifiers: ClinVar variation 4794506 (VCV004794506.1).
Genomic context (GRCh38, chr2:178,532,041, plus strand): 5'-AGTAGGTGACCTTCTTTCTGTGTCATCTTCGTATTCCTCAGCCGGTTGTGGACGTGACCG[G>C]ATCAGCTCAGACACTGGCCTCATTAACTCAATATAAGTTGGAGACAGGGAGCGCCGTCGT-3'
Protein context (NP_001254479.2, residues 34848-34868): IELMRPVSEL[Ile34858Met]RSRPQPAEEY

ClinVar aggregate classification (germline): Uncertain significance (1 of 4 stars; one submission).

Conditions:
Autosomal recessive limb-girdle muscular dystrophy type 2J (LGMDR10). Also called: MUSCULAR DYSTROPHY, LIMB-GIRDLE, AUTOSOMAL RECESSIVE 10; Limb-girdle muscular dystrophy, type 2J. Identifiers: Orphanet 140922, MedGen C1837342, MONDO:0012127, OMIM 608807.
Dilated cardiomyopathy 1G (CMD1G). Identifiers: Orphanet 154, MedGen C1858763, MONDO:0011400, OMIM 604145.

Submission:

Labcorp Genetics (formerly Invitae), Labcorp
Classification: Uncertain significance for Dilated cardiomyopathy 1G; Autosomal recessive limb-girdle muscular dystrophy type 2J. Last evaluated: 2025-06-22. Review status: criteria provided, single submitter. Criteria: Invitae Variant Classification Sherloc (09022015). Collection method: clinical testing. Allele origin: germline.
Comment: This sequence change replaces isoleucine, which is neutral and non-polar, with methionine, which is neutral and non-polar, at codon 34858 of the TTN protein (p.Ile34858Met). This variant is not present in population databases (gnomAD no frequency). This variant has not been reported in the literature in individuals affected with TTN-related conditions. Experimental studies and prediction algorithms are not available or were not evaluated, and the functional significance of this variant is currently unknown. In summary, the available evidence is currently insufficient to determine the role of this variant in disease. Therefore, it has been classified as a Variant of Uncertain Significance.